The following is an entry in ClinVar:

ClinVar aggregate classification (germline): Benign. Review status: criteria provided, multiple submitters, no conflicts (2 of 4 stars). 6 submissions from 5 submitters: Benign (6). Last evaluated 2026-02-04.

Conditions:
Spinocerebellar ataxia type 40. Identifiers: Orphanet 423275, MedGen C4518336, MONDO:0014475, OMIM 616053.
Hydrocephalus, nonsyndromic, autosomal recessive 1 (HYC1). Also called: Hydrocephalus, nonsyndromic, autosomal recessive; Congenital hydrocephalus 1. Identifiers: Orphanet 2185, MedGen C3887608, MONDO:0009360, OMIM 236600.

Allele frequency attached by ClinVar (database versions not stated): gnomAD 0.02526 and 0.02576; ESP Exome Variant Server 0.02849; 1000 Genomes Project 30x 0.01327; 1000 Genomes Project 0.01418; TOPMed 0.02499.
gnomAD v4.1: 52,712 of 1,582,112 alleles (3.3%); highest among the groups gnomAD compares: Middle Eastern, 4.9%; 1,025 homozygotes.

Submissions (26):

Labcorp Genetics (formerly Invitae), Labcorp
Classification: Benign. Last evaluated: 2026-02-04. Review status: criteria provided, single submitter. Criteria: Invitae Variant Classification Sherloc (09022015). Collection method: clinical testing. Allele origin: germline.

Mayo Clinic Laboratories, Mayo Clinic
Classification: Benign. Last evaluated: 2023-04-18. Review status: criteria provided, single submitter. Criteria: ACMG Guidelines, 2015. Collection method: clinical testing. Allele origin: germline. Observed: 39 variant alleles.
Comment: BS1, BS2, BP4, BP7

Genome-Nilou Lab
Classification: Benign for Spinocerebellar ataxia type 40. Last evaluated: 2021-07-14. Review status: criteria provided, single submitter. Criteria: ACMG Guidelines, 2015. Collection method: clinical testing. Allele origin: germline. Affected: no.

Genome-Nilou Lab
Classification: Benign for Hydrocephalus, nonsyndromic, autosomal recessive 1. Last evaluated: 2021-07-14. Review status: criteria provided, single submitter. Criteria: ACMG Guidelines, 2015. Collection method: clinical testing. Allele origin: germline. Affected: no.

Genetic Services Laboratory, University of Chicago
Classification: Benign. Last evaluated: 2013-04-08. Review status: criteria provided, single submitter. Criteria: ACMG Guidelines, 2007. Collection method: clinical testing. Allele origin: germline. Inheritance: Autosomal recessive inheritance.

Breakthrough Genomics
Classification: Benign. Review status: criteria provided, single submitter. Criteria: ACMG Guidelines, 2015. Collection method: not provided. Allele origin: germline. Inheritance: Autosomal recessive inheritance. Affected: yes.

Dr. Peter K. Rogan Lab, Western University
No classification provided (evidence only). Condition: Familial cancer of breast. Review status: no classification provided. Collection method: in vitro. Allele origin: not applicable. Functional consequence: retained intron. Not counted in ClinVar's aggregate classification.

Dr. Peter K. Rogan Lab, Western University
No classification provided (evidence only). Condition: Familial cancer of breast. Review status: no classification provided. Collection method: in vitro. Allele origin: not applicable. Functional consequence: retained intron. Not counted in ClinVar's aggregate classification.

Dr. Peter K. Rogan Lab, Western University
No classification provided (evidence only). Condition: Familial cancer of breast. Review status: no classification provided. Collection method: in vitro. Allele origin: not applicable. Functional consequence: retained intron. Not counted in ClinVar's aggregate classification.

Dr. Peter K. Rogan Lab, Western University
No classification provided (evidence only). Condition: Acute myeloid leukemia. Review status: no classification provided. Collection method: in vitro. Allele origin: not applicable. Functional consequence: retained intron. Not counted in ClinVar's aggregate classification.

Dr. Peter K. Rogan Lab, Western University
No classification provided (evidence only). Condition: Acute myeloid leukemia. Review status: no classification provided. Collection method: in vitro. Allele origin: not applicable. Functional consequence: retained intron. Not counted in ClinVar's aggregate classification.

Dr. Peter K. Rogan Lab, Western University
No classification provided (evidence only). Condition: Colon adenocarcinoma. Review status: no classification provided. Collection method: in vitro. Allele origin: not applicable. Functional consequence: retained intron. Not counted in ClinVar's aggregate classification.

Dr. Peter K. Rogan Lab, Western University
No classification provided (evidence only). Condition: Thyroid cancer, nonmedullary, 1. Review status: no classification provided. Collection method: in vitro. Allele origin: not applicable. Functional consequence: retained intron. Not counted in ClinVar's aggregate classification.

Dr. Peter K. Rogan Lab, Western University
No classification provided (evidence only). Condition: Thyroid cancer, nonmedullary, 1. Review status: no classification provided. Collection method: in vitro. Allele origin: not applicable. Functional consequence: retained intron. Not counted in ClinVar's aggregate classification.

Dr. Peter K. Rogan Lab, Western University
No classification provided (evidence only). Condition: Thyroid cancer, nonmedullary, 1. Review status: no classification provided. Collection method: in vitro. Allele origin: not applicable. Functional consequence: retained intron. Not counted in ClinVar's aggregate classification.

Dr. Peter K. Rogan Lab, Western University
No classification provided (evidence only). Condition: Thyroid cancer, nonmedullary, 1. Review status: no classification provided. Collection method: in vitro. Allele origin: not applicable. Functional consequence: retained intron. Not counted in ClinVar's aggregate classification.

Dr. Peter K. Rogan Lab, Western University
No classification provided (evidence only). Condition: Sarcoma. Review status: no classification provided. Collection method: in vitro. Allele origin: not applicable. Functional consequence: retained intron. Not counted in ClinVar's aggregate classification.

Dr. Peter K. Rogan Lab, Western University
No classification provided (evidence only). Condition: Sarcoma. Review status: no classification provided. Collection method: in vitro. Allele origin: not applicable. Functional consequence: retained intron. Not counted in ClinVar's aggregate classification.

Dr. Peter K. Rogan Lab, Western University
No classification provided (evidence only). Condition: Hepatocellular carcinoma. Review status: no classification provided. Collection method: in vitro. Allele origin: not applicable. Functional consequence: retained intron. Not counted in ClinVar's aggregate classification.

Dr. Peter K. Rogan Lab, Western University
No classification provided (evidence only). Condition: Nonpapillary renal cell carcinoma. Review status: no classification provided. Collection method: in vitro. Allele origin: not applicable. Functional consequence: retained intron. Not counted in ClinVar's aggregate classification.

Dr. Peter K. Rogan Lab, Western University
No classification provided (evidence only). Condition: Thymoma. Review status: no classification provided. Collection method: in vitro. Allele origin: not applicable. Functional consequence: retained intron. Not counted in ClinVar's aggregate classification.

Dr. Peter K. Rogan Lab, Western University
No classification provided (evidence only). Condition: Gastric cancer. Review status: no classification provided. Collection method: in vitro. Allele origin: not applicable. Functional consequence: retained intron. Not counted in ClinVar's aggregate classification.

Dr. Peter K. Rogan Lab, Western University
No classification provided (evidence only). Condition: Uveal melanoma. Review status: no classification provided. Collection method: in vitro. Allele origin: not applicable. Functional consequence: retained intron. Not counted in ClinVar's aggregate classification.

Dr. Peter K. Rogan Lab, Western University
No classification provided (evidence only). Condition: Malignant tumor of esophagus. Review status: no classification provided. Collection method: in vitro. Allele origin: not applicable. Functional consequence: retained intron. Not counted in ClinVar's aggregate classification.

Dr. Peter K. Rogan Lab, Western University
No classification provided (evidence only). Condition: Malignant tumor of esophagus. Review status: no classification provided. Collection method: in vitro. Allele origin: not applicable. Functional consequence: retained intron. Not counted in ClinVar's aggregate classification.

Dr. Peter K. Rogan Lab, Western University
No classification provided (evidence only). Condition: Malignant tumor of esophagus. Review status: no classification provided. Collection method: in vitro. Allele origin: not applicable. Functional consequence: retained intron. Not counted in ClinVar's aggregate classification.

NM_001080414.4(CCDC88C):c.4975C>A (p.Arg1659=)

Gene: CCDC88C (coiled-coil and HOOK domain protein 88C; minus strand). Cytogenetic location: 14q32.11.
Variant type: single nucleotide variant.
Coding change: c.4975C>A on transcript NM_001080414.4 (MANE Select); coding-DNA position 4975, C replaced by A.
Protein change: p.Arg1659=; no amino-acid change (arginine 1659 retained).
Molecular consequence: synonymous variant.
Genome position (GRCh38, 1-based): chr14:91,278,005, G>T on the plus strand (C>A on the coding strand, the complement: CCDC88C is on the minus strand). VCF-style: chr14-91278005-G-T. GRCh37 (hg19) VCF-style: chr14-91744349-G-T.
Other names: p.Arg1659=.
Identifiers: ClinVar variation 158114 (VCV000158114.17), dbSNP rs150512553, ClinGen allele CA171536.